The following is an entry in ClinVar:

ClinVar aggregate classification (germline): Uncertain significance. Review status: criteria provided, multiple submitters, no conflicts (2 of 4 stars). 3 submissions from 3 submitters: Uncertain significance (3). Last evaluated 2026-08-06.

Conditions:
Primary ciliary dyskinesia. Also called: Ciliary dyskinesia. Identifiers: Orphanet 244, MedGen C0008780, MONDO:0016575, HP:0012265.
Primary ciliary dyskinesia 3. Identifiers: Orphanet 244, MedGen C1837618, MONDO:0012085, OMIM 608644.

Allele frequency attached by ClinVar (database versions not stated): gnomAD 0.00001; gnomAD exomes 0.00001 and below 0.00001; TOPMed below 0.00001.
gnomAD v4.1: 5 of 1,613,792 alleles (0.00031%); highest among the groups gnomAD compares: Admixed American, 0.0033%; no homozygotes.

Submissions (3):

OLLIN Analises Genomicas, OLLIN
Classification: Uncertain significance for Primary ciliary dyskinesia 3. Last evaluated: 2026-08-06. Review status: criteria provided, single submitter. Criteria: ACMG Guidelines 2015 PMID 25741868. Collection method: clinical testing. Allele origin: germline. Inheritance: Autosomal recessive inheritance.
Comment: This synonymous variant, located in exon 69 (of 79), has been reported in ClinVar (accession VCV000525438.4) and in gnomAD with an allele frequency of 0.00031%. However, to our knowledge, it has not been reported in the scientific literature. Although this variant does not alter the encoded amino acid, there is evidence that it affects splicing, potentially resulting in aberrant transcript processing, exon skipping, mRNA degradation via nonsense-mediated decay (NMD), or production of a truncated protein. According to the currently available evidence, this variant has been classified as uncertain significance (PM2_P, PM3_P, PP3).

Labcorp Genetics (formerly Invitae), Labcorp
Classification: Uncertain significance for Primary ciliary dyskinesia. Last evaluated: 2025-04-11. Review status: criteria provided, single submitter. Criteria: Invitae Variant Classification Sherloc (09022015). Collection method: clinical testing. Allele origin: germline.
Comment: This sequence change affects codon 3961 of the DNAH5 mRNA. It is a 'silent' change, meaning that it does not change the encoded amino acid sequence of the DNAH5 protein. This variant also falls at the last nucleotide of exon 69, which is part of the consensus splice site for this exon. This variant is present in population databases (no rsID available, gnomAD 0.0009%). This variant has been observed in individual(s) with clinical features of DNAH5-related conditions (internal data). In at least one individual the data is consistent with being in trans (on the opposite chromosome) from a pathogenic variant. ClinVar contains an entry for this variant (Variation ID: 525438). Variants that disrupt the consensus splice site are a relatively common cause of aberrant splicing (PMID: 17576681, 9536098). Algorithms developed to predict the effect of sequence changes on RNA splicing suggest that this variant may disrupt the consensus splice site. In summary, the available evidence is currently insufficient to determine the role of this variant in disease. Therefore, it has been classified as a Variant of Uncertain Significance.

Mayo Clinic Laboratories, Mayo Clinic
Classification: Uncertain significance. Last evaluated: 2025-03-05. Review status: criteria provided, single submitter. Criteria: ACMG Guidelines, 2015. Collection method: clinical testing. Allele origin: germline. Observed: 1 variant allele.
Comment: PP3, PM2_supporting

Literature cited by the submitters: PubMed 17576681 (cited by Labcorp Genetics (formerly Invitae), Labcorp); PubMed 9536098 (cited by Labcorp Genetics (formerly Invitae), Labcorp).

NM_001369.3(DNAH5):c.11883G>A (p.Gln3961=)

Gene: DNAH5 (dynein axonemal heavy chain 5; minus strand). Cytogenetic location: 5p15.2.
Variant type: single nucleotide variant.
Coding change: c.11883G>A on transcript NM_001369.3 (MANE Select); coding-DNA position 11883, G replaced by A.
Protein change: p.Gln3961=; no amino-acid change (glutamine 3961 retained).
Molecular consequence: synonymous variant.
Genome position (GRCh38, 1-based): chr5:13,729,439, C>T on the plus strand (G>A on the coding strand, the complement: DNAH5 is on the minus strand). VCF-style: chr5-13729439-C-T. GRCh37 (hg19) VCF-style: chr5-13729548-C-T.
Other names: p.Gln3961=.
Identifiers: ClinVar variation 525438 (VCV000525438.5), dbSNP rs1470925950, ClinGen allele CA443259225.